The following is an entry in ClinVar:

NM_144573.4(NEXN):c.431C>T (p.Ala144Val)

Genes: NEXN (nexilin F-actin binding protein; plus strand), LOC126805765 (BRD4-independent group 4 enhancer GRCh37_chr1:78383688-78384887; plus strand). Cytogenetic location: 1p31.1.
Variant type: single nucleotide variant.
Coding change: c.431C>T on transcript NM_144573.4 (MANE Select); coding-DNA position 431, C replaced by T.
Protein change: p.Ala144Val; replaces alanine 144 with valine.
Molecular consequence: missense variant.
Genome position (GRCh38, 1-based): chr1:77,918,257, C>T. VCF-style: chr1-77918257-C-T. GRCh37 (hg19) VCF-style: chr1-78383942-C-T.
Other names: c.239C>T, p.Ala80Val (NM_001172309.2); short protein forms A144V, A80V.
Identifiers: ClinVar variation 662564 (VCV000662564.9), dbSNP rs767335232, ClinGen allele CA340887162.

ClinVar aggregate classification (germline): Uncertain significance (1 of 4 stars; one submission).

Conditions:
Dilated cardiomyopathy 1CC (CMD1CC). Identifiers: Orphanet 154, MedGen C2751084, MONDO:0013147, OMIM 613122.
Hypertrophic cardiomyopathy 20. Identifiers: MedGen C3151267, MONDO:0013477, OMIM 613876.

gnomAD v4.1: 1 of 1,613,716 alleles (0.000062%); highest among the groups gnomAD compares: Non-Finnish European, 0.000085%; no homozygotes.

Submission:

Labcorp Genetics (formerly Invitae), Labcorp
Classification: Uncertain significance for Dilated cardiomyopathy 1CC; Hypertrophic cardiomyopathy 20. Last evaluated: 2018-11-16. Review status: criteria provided, single submitter. Criteria: Invitae Variant Classification Sherloc (09022015). Collection method: clinical testing. Allele origin: germline.
Comment: In summary, the available evidence is currently insufficient to determine the role of this variant in disease. Therefore, it has been classified as a Variant of Uncertain Significance. Algorithms developed to predict the effect of missense changes on protein structure and function are either unavailable or do not agree on the potential impact of this missense change (SIFT: "Deleterious"; PolyPhen-2: "Benign"; Align-GVGD: "Class C55"). This variant has not been reported in the literature in individuals with NEXN-related disease. This variant is not present in population databases (ExAC no frequency). This sequence change replaces alanine with valine at codon 144 of the NEXN protein (p.Ala144Val). The alanine residue is highly conserved and there is a small physicochemical difference between alanine and valine.